The following is an entry in ClinVar:

ClinVar aggregate classification (germline): Benign. Review status: criteria provided, multiple submitters, no conflicts (2 of 4 stars). 2 submissions from 2 submitters: Benign (2). Last evaluated 2018-06-19.

Allele frequency attached by ClinVar (database versions not stated): gnomAD exomes 0.37476; gnomAD 0.38192 and 0.38481; TOPMed 0.38311; 1000 Genomes Project 30x 0.39507; 1000 Genomes Project 0.39577.
gnomAD v4.1: 118,565 of 313,372 alleles (38%); highest among the groups gnomAD compares: East Asian, 48%; 23,246 homozygotes.

Submissions (2):

GeneDx
Classification: Benign. Last evaluated: 2018-06-19. Review status: criteria provided, single submitter. Criteria: GeneDx Variant Classification (06012015). Collection method: clinical testing. Allele origin: germline. Affected: yes.
Comment: This variant is considered likely benign or benign based on one or more of the following criteria: it is a conservative change, it occurs at a poorly conserved position in the protein, it is predicted to be benign by multiple in silico algorithms, and/or has population frequency not consistent with disease.

Breakthrough Genomics
Classification: Benign. Review status: criteria provided, single submitter. Criteria: ACMG Guidelines, 2015. Collection method: not provided. Allele origin: germline. Inheritance: Autosomal recessive inheritance. Affected: yes.

NM_018699.4(PRDM5):c.865+320C>T

Gene: PRDM5 (PR/SET domain 5; minus strand). Cytogenetic location: 4q27.
Variant type: single nucleotide variant.
Coding change: c.865+320C>T on transcript NM_018699.4 (MANE Select); 320 bases into the intron after coding-DNA position 865, C replaced by T.
Molecular consequence: intron variant.
Genome position (GRCh38, 1-based): chr4:120,816,133, G>A on the plus strand (C>T on the coding strand, the complement: PRDM5 is on the minus strand). VCF-style: chr4-120816133-G-A. GRCh37 (hg19) VCF-style: chr4-121737288-G-A.
Other names: c.772+320C>T (NM_001300824.2, NM_001379106.1, NM_001300823.2); c.865+320C>T (NM_001379104.1).
Identifiers: ClinVar variation 683727 (VCV000683727.2), dbSNP rs2292395, ClinGen allele CA15311133.
Genomic context (GRCh38, chr4:120,816,133, plus strand): 5'-ATAATAAGGCAGAAGGACATCACTTAATAATGATAAATTTTAACAATTTATAAAAGAAAT[G>A]TCACATGCCAAAACATTTAAAATTGTTACTTAAAAATATTAATTCTTAATGCATCTGACC-3'